The following is an entry in ClinVar:

ClinVar aggregate classification (germline): Benign/Likely benign. Review status: criteria provided, multiple submitters, no conflicts (2 of 4 stars). 3 submissions from 3 submitters: Benign (1); Likely benign (2). Last evaluated 2025-10-01.

Conditions:
Hereditary cancer-predisposing syndrome. Also called: Tumor predisposition; Hereditary Cancer Syndrome; Neoplastic Syndromes, Hereditary; Hereditary neoplastic syndrome. Identifiers: Orphanet 140162, MedGen C0027672, MeSH D009386, MONDO:0015356.
Hereditary diffuse gastric adenocarcinoma (HDGC). Also called: DIFFUSE GASTRIC AND LOBULAR BREAST CANCER SYNDROME. Identifiers: Orphanet 26106, MedGen C1708349, MONDO:0007648, OMIM 137215.

Allele frequency attached by ClinVar (database versions not stated): gnomAD exomes below 0.00001; TOPMed 0.00001.
gnomAD v4.1: 3 of 1,612,144 alleles (0.00019%); highest among the groups gnomAD compares: Admixed American, 0.0017%; no homozygotes.

Submissions (3):

Labcorp Genetics (formerly Invitae), Labcorp
Classification: Likely benign. Last evaluated: 2025-10-01. Review status: criteria provided, single submitter. Criteria: Invitae Variant Classification Sherloc (09022015). Collection method: clinical testing. Allele origin: germline.

Myriad Genetics, Inc.
Classification: Benign for Hereditary diffuse gastric adenocarcinoma. Last evaluated: 2024-10-11. Review status: criteria provided, single submitter. Criteria: Myriad Autosomal Dominant, Autosomal Recessive and X-Linked Classification Criteria (2023). Collection method: clinical testing. Allele origin: unknown.
Comment: This variant is considered benign. This variant is a silent/synonymous amino acid change and it is not expected to impact splicing.

Ambry Genetics
Classification: Likely benign for Hereditary cancer-predisposing syndrome. Last evaluated: 2021-08-29. Review status: criteria provided, single submitter. Criteria: Ambry Variant Classification Scheme 2023. Collection method: clinical testing. Allele origin: germline.

NM_001903.5(CTNNA1):c.1209A>G (p.Val403=)

Gene: CTNNA1 (catenin alpha 1; plus strand). Cytogenetic location: 5q31.2.
Variant type: single nucleotide variant.
Coding change: c.1209A>G on transcript NM_001903.5 (MANE Select); coding-DNA position 1209, A replaced by G.
Protein change: p.Val403=; no amino-acid change (valine 403 retained).
Molecular consequence: synonymous variant. On other transcripts: 5 prime UTR variant (5), intron variant (2).
Genome position (GRCh38, 1-based): chr5:138,887,555, A>G. VCF-style: chr5-138887555-A-G. GRCh37 (hg19) VCF-style: chr5-138223244-A-G.
Other names: c.1209A>G, p.Val403= (NM_001290307.3, NM_001323982.2, NM_001323983.1 and 3 more transcripts); c.900A>G, p.Val300= (NM_001290309.3); c.840A>G, p.Val280= (NM_001290310.3); c.99A>G, p.Val33= (NM_001290312.1, NM_001323987.1, NM_001323988.1 and 18 more transcripts); c.-299A>G (NM_001324006.1, NM_001324007.1, NM_001324008.1 and 1 more transcripts); c.-174A>G (NM_001324013.1); c.-58+11958A>G (NM_001324012.1); c.-61+11958A>G (NM_001324010.1).
Identifiers: ClinVar variation 754138 (VCV000754138.12), dbSNP rs1483649841, ClinGen allele CA446589896.